The following is an entry in ClinVar:

ClinVar aggregate classification (germline): Uncertain significance. Review status: criteria provided, multiple submitters, no conflicts (2 of 4 stars). 3 submissions from 3 submitters: Uncertain significance (3). Last evaluated 2024-09-03.

Conditions:
Inborn genetic diseases. Identifiers: MedGen C0950123, MeSH D030342.
Intellectual disability, autosomal recessive 53 (NEDHSCA). Also called: NEURODEVELOPMENTAL DISORDER WITH OR WITHOUT HYPOTONIA, SEIZURES, AND CEREBELLAR ATROPHY; GLYCOSYLPHOSPHATIDYLINOSITOL BIOSYNTHESIS DEFECT 13; Mental retardation, autosomal recessive 53. Identifiers: Orphanet 488635, MedGen C4310794, MONDO:0014832, OMIM 616917.

Allele frequency attached by ClinVar (database versions not stated): ExAC 0.00004; gnomAD exomes 0.00004; ESP Exome Variant Server 0.00008; TOPMed 0.00013; 1000 Genomes Project 30x 0.00016; gnomAD 0.00019 and 0.00021; 1000 Genomes Project 0.00020.
gnomAD v4.1: 56 of 1,614,154 alleles (0.0035%); highest among the groups gnomAD compares: African/African-American, 0.067%; no homozygotes.

Submissions (3):

Ambry Genetics
Classification: Uncertain significance for Inborn genetic diseases. Last evaluated: 2024-09-03. Review status: criteria provided, single submitter. Criteria: Ambry Variant Classification Scheme 2023. Collection method: clinical testing. Allele origin: germline.

GeneDx
Classification: Uncertain significance. Last evaluated: 2023-09-11. Review status: criteria provided, single submitter. Criteria: GeneDx Variant Classification Process June 2021. Collection method: clinical testing. Allele origin: germline. Affected: yes.
Comment: In silico analysis supports that this missense variant does not alter protein structure/function; Has not been previously published as pathogenic or benign to our knowledge; This variant is associated with the following publications: (PMID: 27535533)

Labcorp Genetics (formerly Invitae), Labcorp
Classification: Uncertain significance for Intellectual disability, autosomal recessive 53. Last evaluated: 2022-09-13. Review status: criteria provided, single submitter. Criteria: Invitae Variant Classification Sherloc (09022015). Collection method: clinical testing. Allele origin: germline.
Comment: This sequence change replaces glutamic acid, which is acidic and polar, with lysine, which is basic and polar, at codon 395 of the PIGG protein (p.Glu395Lys). This variant is present in population databases (rs150635196, gnomAD 0.07%). This variant has not been reported in the literature in individuals affected with PIGG-related conditions. ClinVar contains an entry for this variant (Variation ID: 542879). Advanced modeling of protein sequence and biophysical properties (such as structural, functional, and spatial information, amino acid conservation, physicochemical variation, residue mobility, and thermodynamic stability) performed at Invitae indicates that this missense variant is not expected to disrupt PIGG protein function. In summary, the available evidence is currently insufficient to determine the role of this variant in disease. Therefore, it has been classified as a Variant of Uncertain Significance.

NM_001127178.3(PIGG):c.1183G>A (p.Glu395Lys)

Gene: PIGG (phosphatidylinositol glycan anchor biosynthesis class G (EMM blood group); plus strand). Cytogenetic location: 4p16.3.
Variant type: single nucleotide variant.
Coding change: c.1183G>A on transcript NM_001127178.3 (MANE Select); coding-DNA position 1183, G replaced by A.
Protein change: p.Glu395Lys; replaces glutamic acid 395 with lysine.
Molecular consequence: missense variant. On other transcripts: 5 prime UTR variant (2), non-coding transcript variant (10), intron variant (1).
Genome position (GRCh38, 1-based): chr4:521,124, G>A. VCF-style: chr4-521124-G-A. GRCh37 (hg19) VCF-style: chr4-514913-G-A.
Other names: c.916G>A, p.Glu306Lys (NM_001289051.2, NM_001289053.2, NM_001345986.2 and 1 more transcripts); c.784G>A, p.Glu262Lys (NM_001289052.2); c.817G>A, p.Glu273Lys (NM_001289055.2); c.154G>A, p.Glu52Lys (NM_001345988.2); c.1183G>A, p.Glu395Lys (NM_001345989.2, NM_017733.5); c.-305G>A (NM_001345990.2, NM_001345991.2); c.109G>A, p.Glu37Lys (NM_001345994.2); c.848-536G>A (NM_001289057.2); and 1 more; short protein forms E395K, E306K, E262K, E52K, E273K, E37K.
Identifiers: ClinVar variation 542879 (VCV000542879.8), dbSNP rs150635196, ClinGen allele CA2793238.